The following is an entry in ClinVar:

NM_017866.6(TMEM70):c.*904A>G

Gene: TMEM70 (transmembrane protein 70; plus strand). Cytogenetic location: 8q21.11.
Variant type: single nucleotide variant.
Coding change: c.*904A>G on transcript NM_017866.6 (MANE Select); 904 bases downstream of the stop codon, A replaced by G.
Molecular consequence: 3 prime UTR variant. On other transcripts: non-coding transcript variant (1).
Genome position (GRCh38, 1-based): chr8:73,982,525, A>G. VCF-style: chr8-73982525-A-G. GRCh37 (hg19) VCF-style: chr8-74894760-A-G.
Other names: c.*1377A>G (NM_001040613.3).
Identifiers: ClinVar variation 363713 (VCV000363713.6), dbSNP rs59024088, ClinGen allele CA4784273.

ClinVar aggregate classification (germline): Benign. Review status: criteria provided, multiple submitters, no conflicts (2 of 4 stars). 2 submissions from 2 submitters: Benign (2). Last evaluated 2018-01-12.

Conditions:
Mitochondrial complex V (ATP synthase) deficiency, nuclear type 2. Also called: Nuclear-Encoded ATPase Deficiency, TMEM70-Related; ENCEPHALOCARDIOMYOPATHY, MITOCHONDRIAL, NEONATAL, DUE TO ATP SYNTHASE DEFICIENCY; MITOCHONDRIAL COMPLEX V (ATP SYNTHASE) DEFICIENCY, TMEM70 TYPE. Identifiers: Orphanet 1194, MedGen C3279699, MONDO:0013546, OMIM 614052.

Allele frequency attached by ClinVar (database versions not stated): gnomAD 0.02176 and 0.02244; TOPMed 0.02209; ExAC 0.02439; gnomAD exomes 0.01437 and 0.01534; 1000 Genomes Project 0.01857; 1000 Genomes Project 30x 0.02077.
gnomAD v4.1: 9,393 of 572,112 alleles (1.6%); highest among the groups gnomAD compares: Middle Eastern, 4.1%; 121 homozygotes.

Submissions (2):

Illumina Laboratory Services, Illumina
Classification: Benign for Mitochondrial complex V (ATP synthase) deficiency, nuclear type 2. Last evaluated: 2018-01-12. Review status: criteria provided, single submitter. Criteria: ICSL Variant Classification Criteria 13 December 2019. Collection method: clinical testing. Allele origin: germline.
Comment: This variant was observed in the ICSL laboratory as part of a predisposition screen in an ostensibly healthy population. It had not been previously curated by ICSL or reported in the Human Gene Mutation Database (HGMD: prior to June 1st, 2018), and was therefore a candidate for classification through an automated scoring system. Utilizing variant allele frequency, disease prevalence and penetrance estimates, and inheritance mode, an automated score was calculated to assess if this variant is too frequent to cause the disease. Based on the score and internal cut-off values, a variant classified as benign is not then subjected to further curation. The score for this variant resulted in a classification of benign for this disease.

Breakthrough Genomics
Classification: Benign. Review status: criteria provided, single submitter. Criteria: ACMG Guidelines, 2015. Collection method: not provided. Allele origin: germline. Inheritance: Autosomal recessive inheritance. Affected: yes.